The following is an entry in ClinVar:

ClinVar aggregate classification (germline): Uncertain significance (1 of 4 stars; one submission).

Submission:

Labcorp Genetics (formerly Invitae), Labcorp
Classification: Uncertain significance. Last evaluated: 2025-11-24. Review status: criteria provided, single submitter. Criteria: Invitae Variant Classification Sherloc (09022015). Collection method: clinical testing. Allele origin: germline.
Comment: This variant, c.6854_6856del, results in the deletion of 1 amino acid(s) of the SRCAP protein (p.Ala2285del), but otherwise preserves the integrity of the reading frame. This variant is not present in population databases (gnomAD no frequency). This variant has not been reported in the literature in individuals affected with SRCAP-related conditions. Experimental studies and prediction algorithms are not available or were not evaluated, and the functional significance of this variant is currently unknown. In summary, the available evidence is currently insufficient to determine the role of this variant in disease. Therefore, it has been classified as a Variant of Uncertain Significance.

NM_006662.3(SRCAP):c.6854_6856del (p.Ala2285del)

Gene: SRCAP (Snf2 related CREBBP activator protein; plus strand). Cytogenetic location: 16p11.2.
Variant type: Deletion.
Coding change: c.6854_6856del on transcript NM_006662.3 (MANE Select); coding-DNA positions 6854 to 6856, 3 bases deleted (CTG; older notation c.6854_6856delCTG).
Protein change: p.Ala2285del; deletes alanine 2285.
Genome position (GRCh38, 1-based): chr16:30,736,324-30,736,326, CTG deleted; deleting any 3 consecutive bases within chr16:30,736,323-30,736,326 gives the same sequence; the c. name uses the placement nearest the transcript's 3' end. VCF-style (leftmost placement, unchanged base first): chr16-30736322-AGCT-A. GRCh37 (hg19) VCF-style: chr16-30747643-AGCT-A.
Other names: short protein forms A2285del.
Identifiers: ClinVar variation 4761790 (VCV004761790.1).